The following is an entry in ClinVar:

ClinVar aggregate classification (germline): Uncertain significance. Review status: criteria provided, multiple submitters, no conflicts (2 of 4 stars). 2 submissions from 2 submitters: Uncertain significance (2). Last evaluated 2024-08-20.

Conditions:
Inborn genetic diseases. Identifiers: MedGen C0950123, MeSH D030342.
Predisposition to invasive fungal disease due to CARD9 deficiency (IMD103). Also called: CARD9 IMMUNODEFICIENCY; IMMUNODEFICIENCY 103, SUSCEPTIBILITY TO FUNGAL INFECTIONS; Candidiasis, familial, 2, autosomal recessive. Identifiers: Orphanet 457088, MedGen C1859353, MONDO:0008905, OMIM 212050.

Allele frequency attached by ClinVar (database versions not stated): gnomAD exomes 0.00001; gnomAD 0.00002; TOPMed 0.00002.
gnomAD v4.1: 21 of 1,609,976 alleles (0.0013%); highest among the groups gnomAD compares: Middle Eastern, 0.017%; no homozygotes.

Submissions (2):

Ambry Genetics
Classification: Uncertain significance for Inborn genetic diseases. Last evaluated: 2024-08-20. Review status: criteria provided, single submitter. Criteria: Ambry Variant Classification Scheme 2023. Collection method: clinical testing. Allele origin: germline.

Labcorp Genetics (formerly Invitae), Labcorp
Classification: Uncertain significance for Predisposition to invasive fungal disease due to CARD9 deficiency. Last evaluated: 2021-12-19. Review status: criteria provided, single submitter. Criteria: Invitae Variant Classification Sherloc (09022015). Collection method: clinical testing. Allele origin: germline.
Comment: In summary, the available evidence is currently insufficient to determine the role of this variant in disease. Therefore, it has been classified as a Variant of Uncertain Significance. Algorithms developed to predict the effect of missense changes on protein structure and function are either unavailable or do not agree on the potential impact of this missense change (SIFT: "Deleterious"; PolyPhen-2: "Benign"; Align-GVGD: "Class C0"). This variant has not been reported in the literature in individuals affected with CARD9-related conditions. This variant is not present in population databases (gnomAD no frequency). This sequence change replaces alanine, which is neutral and non-polar, with valine, which is neutral and non-polar, at codon 190 of the CARD9 protein (p.Ala190Val).

NM_052813.5(CARD9):c.569C>T (p.Ala190Val)

Gene: CARD9 (caspase recruitment domain family member 9; minus strand). Cytogenetic location: 9q34.3.
Variant type: single nucleotide variant.
Coding change: c.569C>T on transcript NM_052813.5 (MANE Select); coding-DNA position 569, C replaced by T.
Protein change: p.Ala190Val; replaces alanine 190 with valine.
Molecular consequence: missense variant.
Genome position (GRCh38, 1-based): chr9:136,370,899, G>A on the plus strand (C>T on the coding strand, the complement: CARD9 is on the minus strand). VCF-style: chr9-136370899-G-A. GRCh37 (hg19) VCF-style: chr9-139265351-G-A.
Other names: c.569C>T, p.Ala190Val (NM_052814.4); short protein forms A190V.
Identifiers: ClinVar variation 2070850 (VCV002070850.3), dbSNP rs982980603, ClinGen allele CA201614614.